The following is an entry in ClinVar:

ClinVar aggregate classification (germline): Likely pathogenic (1 of 4 stars; one submission).

Conditions:
Usher syndrome type 2A. Also called: RETINAL DISEASE IN USHER SYNDROME TYPE IIA, MODIFIER OF; USHER SYNDROME, TYPE IIA. Identifiers: Orphanet 231178, Orphanet 886, MedGen C1848634, MONDO:0010169, OMIM 276901.

Submission:

Myriad Genetics, Inc.
Classification: Likely pathogenic for Usher syndrome type 2A. Last evaluated: 2022-02-27. Review status: criteria provided, single submitter. Criteria: Myriad Women's Health Autosomal Recessive and X-Linked Classification Criteria (2021). Collection method: clinical testing. Allele origin: unknown.
Comment: NM_206933.2(USH2A):c.10486G>T(E3496*) is expected to be pathogenic in the context of USH2A-related disorders. This variant is predicted to lead to an abnormal or absent protein product due to the creation of a premature termination codon in USH2A, a gene where loss-of-function variants are known to be pathogenic. Please note: this variant was assessed in the context of healthy population screening.

NM_206933.4(USH2A):c.10486G>T (p.Glu3496Ter)

Gene: USH2A (usherin; minus strand). Cytogenetic location: 1q41.
Variant type: single nucleotide variant.
Coding change: c.10486G>T on transcript NM_206933.4 (MANE Select); coding-DNA position 10486, G replaced by T.
Protein change: p.Glu3496Ter; replaces glutamic acid 3496 with a stop codon.
Molecular consequence: nonsense.
Genome position (GRCh38, 1-based): chr1:215,782,837, C>A on the plus strand (G>T on the coding strand, the complement: USH2A is on the minus strand). VCF-style: chr1-215782837-C-A. GRCh37 (hg19) VCF-style: chr1-215956179-C-A.
Other names: short protein forms E3496*.
Identifiers: ClinVar variation 1724787 (VCV001724787.2), dbSNP rs2464394481, ClinGen allele CA344837758.